The following is an entry in ClinVar:

ClinVar aggregate classification (germline): Uncertain significance. Review status: criteria provided, multiple submitters, no conflicts (2 of 4 stars). 2 submissions from 2 submitters: Uncertain significance (2). Last evaluated 2025-01-06.

Conditions:
Cardiovascular phenotype. Identifiers: MedGen CN230736.
Catecholaminergic polymorphic ventricular tachycardia 1. Also called: VENTRICULAR TACHYCARDIA, STRESS-INDUCED POLYMORPHIC 1; VENTRICULAR TACHYCARDIA, CATECHOLAMINERGIC POLYMORPHIC, 1, WITH OR WITHOUT ATRIAL DYSFUNCTION AND/OR DILATED CARDIOMYOPATHY; RYR2-Related Catecholaminergic Polymorphic Ventricular Tachycardia. Identifiers: Orphanet 3286, MedGen C1631597, MONDO:0011484, OMIM 604772.

Submissions (2):

Ambry Genetics
Classification: Uncertain significance for Cardiovascular phenotype. Last evaluated: 2025-01-06. Review status: criteria provided, single submitter. Criteria: Ambry Variant Classification Scheme 2023. Collection method: clinical testing. Allele origin: germline.
Comment: The p.R838L variant (also known as c.2513G>T), located in coding exon 22 of the RYR2 gene, results from a G to T substitution at nucleotide position 2513. The arginine at codon 838 is replaced by leucine, an amino acid with dissimilar properties. This amino acid position is not well conserved in available vertebrate species. In addition, this alteration is predicted to be deleterious by in silico analysis. Based on the available evidence, the clinical significance of this variant remains unclear.

Labcorp Genetics (formerly Invitae), Labcorp
Classification: Uncertain significance for Catecholaminergic polymorphic ventricular tachycardia 1. Last evaluated: 2017-02-27. Review status: criteria provided, single submitter. Criteria: Invitae Variant Classification Sherloc (09022015). Collection method: clinical testing. Allele origin: germline.
Comment: This variant does not occur within one of the three regions of the RYR2 gene (N-terminal domain, central domain, or channel region) where other pathogenic variants have been reported to cluster (PMID: 19926015). In summary, this variant is a novel missense change with uncertain impact on protein function. It has been classified as a Variant of Uncertain Significance. Algorithms developed to predict the effect of missense changes on protein structure and function do not agree on the potential impact of this missense change (SIFT: "Deleterious"; PolyPhen-2: "Benign"; Align-GVGD: "Class C65"). This variant is not present in population databases (ExAC no frequency) and has not been reported in the literature in individuals with a RYR2-related disease. This sequence change replaces arginine with leucine at codon 838 of the RYR2 protein (p.Arg838Leu). The arginine residue is highly conserved and there is a moderate physicochemical difference between arginine and leucine.

Literature cited by the submitters: PubMed 19926015 (cited by Labcorp Genetics (formerly Invitae), Labcorp).

NM_001035.3(RYR2):c.2513G>T (p.Arg838Leu)

Gene: RYR2 (ryanodine receptor 2; plus strand). Cytogenetic location: 1q43.
Variant type: single nucleotide variant.
Coding change: c.2513G>T on transcript NM_001035.3 (MANE Select); coding-DNA position 2513, G replaced by T.
Protein change: p.Arg838Leu; replaces arginine 838 with leucine.
Molecular consequence: missense variant.
Genome position (GRCh38, 1-based): chr1:237,503,405, G>T. VCF-style: chr1-237503405-G-T. GRCh37 (hg19) VCF-style: chr1-237666705-G-T.
Other names: c.2513G>T, p.Arg838Leu (LRG_402t1); short protein forms R838L.
Identifiers: ClinVar variation 463587 (VCV000463587.11), dbSNP rs764043352, ClinGen allele CA345379252.
Genomic context (GRCh38, chr1:237,503,405, plus strand): 5'-GGTATGCTCCTTGTTATGAAGCTGTTCTGCCAAAAGAAAAGTTGAAAGTGGAACACAGCC[G>T]AGAGTACAAGCAAGAAAGAACTTACACACGCGACCTGCTGGGCCCCACAGTTTCCCTGAC-3'
Protein context (NP_001026.2, residues 828-848): PKEKLKVEHS[Arg838Leu]EYKQERTYTR